The following is an entry in ClinVar:

ClinVar aggregate classification (germline): Uncertain significance. Review status: criteria provided, multiple submitters, no conflicts (2 of 4 stars). 3 submissions from 3 submitters: Uncertain significance (3). Last evaluated 2025-11-24.

Conditions:
Cardiovascular phenotype. Identifiers: MedGen CN230736.
Catecholaminergic polymorphic ventricular tachycardia 1. Also called: VENTRICULAR TACHYCARDIA, CATECHOLAMINERGIC POLYMORPHIC, 1, WITH OR WITHOUT ATRIAL DYSFUNCTION AND/OR DILATED CARDIOMYOPATHY; RYR2-Related Catecholaminergic Polymorphic Ventricular Tachycardia; VENTRICULAR TACHYCARDIA, STRESS-INDUCED POLYMORPHIC 1. Identifiers: Orphanet 3286, MedGen C1631597, MONDO:0011484, OMIM 604772.

Allele frequency attached by ClinVar (database versions not stated): TOPMed 0.00013.

Submissions (3):

GeneDx
Classification: Uncertain significance. Last evaluated: 2025-11-24. Review status: criteria provided, single submitter. Criteria: GeneDx Variant Classification Process June 2021. Collection method: clinical testing. Allele origin: germline. Affected: yes.
Comment: In silico analysis suggests that this missense variant does not alter protein structure/function; Has not been previously published as pathogenic or benign to our knowledge; In silico analysis is inconclusive as to whether the variant alters gene splicing. In the absence of RNA/functional studies, the actual effect of this sequence change is unknown.

Ambry Genetics
Classification: Uncertain significance for Cardiovascular phenotype. Last evaluated: 2024-07-11. Review status: criteria provided, single submitter. Criteria: Ambry Variant Classification Scheme 2023. Collection method: clinical testing. Allele origin: germline.
Comment: The p.P352Q variant (also known as c.1055C>A), located in coding exon 13 of the TRDN gene, results from a C to A substitution at nucleotide position 1055. The proline at codon 352 is replaced by glutamine, an amino acid with similar properties. This amino acid position is well conserved in available vertebrate species. In addition, this alteration is predicted to be tolerated by in silico analysis. Since supporting evidence is limited at this time, the clinical significance of this alteration remains unclear.

Labcorp Genetics (formerly Invitae), Labcorp
Classification: Uncertain significance for Catecholaminergic polymorphic ventricular tachycardia 1. Last evaluated: 2022-06-20. Review status: criteria provided, single submitter. Criteria: Invitae Variant Classification Sherloc (09022015). Collection method: clinical testing. Allele origin: germline.
Comment: This sequence change replaces proline, which is neutral and non-polar, with glutamine, which is neutral and polar, at codon 352 of the TRDN protein (p.Pro352Gln). This variant is present in population databases (rs754708708, gnomAD 0.04%). This variant has not been reported in the literature in individuals affected with TRDN-related conditions. ClinVar contains an entry for this variant (Variation ID: 430483). Algorithms developed to predict the effect of missense changes on protein structure and function are either unavailable or do not agree on the potential impact of this missense change (SIFT: "Tolerated"; PolyPhen-2: "Probably Damaging"; Align-GVGD: "Class C0"). Algorithms developed to predict the effect of sequence changes on RNA splicing suggest that this variant may disrupt the consensus splice site. In summary, the available evidence is currently insufficient to determine the role of this variant in disease. Therefore, it has been classified as a Variant of Uncertain Significance.

NM_006073.4(TRDN):c.1055C>A (p.Pro352Gln)

Gene: TRDN (triadin; minus strand). Cytogenetic location: 6q22.31.
Variant type: single nucleotide variant.
Coding change: c.1055C>A on transcript NM_006073.4 (MANE Select); coding-DNA position 1055, C replaced by A.
Protein change: p.Pro352Gln; replaces proline 352 with glutamine.
Molecular consequence: missense variant.
Genome position (GRCh38, 1-based): chr6:123,393,674, G>T on the plus strand (C>A on the coding strand, the complement: TRDN is on the minus strand). VCF-style: chr6-123393674-G-T. GRCh37 (hg19) VCF-style: chr6-123714819-G-T.
Other names: c.1058C>A, p.Pro353Gln (NM_001251987.2); short protein forms P352Q, P353Q.
Identifiers: ClinVar variation 430483 (VCV000430483.11), dbSNP rs754708708, ClinGen allele CA3984140.
Genomic context (GRCh38, chr6:123,393,674, plus strand): 5'-TATTGCTTACCTTGTGCTGCAATTTTTACAGTCCCTTGTTTGGTTTCAGAAGCTTTTCCC[G>T]GCTCTTGGAATGAAAAAAACATAAATTACCATGAAGTATGATTTTGGAAAAATATATAAA-3'
Protein context (NP_006064.2, residues 342-362): ETAIDVEKKE[Pro352Gln]GKASETKQGT